The following is an entry in ClinVar:

NC_000003.11:g.(?_195591052)_(197682644_?)dup

Genes: BDH1 (3-hydroxybutyrate dehydrogenase 1), CEP19 (centrosomal protein 19; minus strand), DLG1 (discs large MAGUK scaffold protein 1; minus strand), DYNLT2B (dynein light chain Tctex-type 2B; minus strand), FBXO45 (F-box protein 45; plus strand) and 23 more. Cytogenetic location: 3q29.
Variant type: Duplication.
Identifiers: ClinVar variation 2445506 (VCV002445506.1).

ClinVar aggregate classification (germline): Uncertain significance (1 of 4 stars; one submission).

Submission:

Labcorp Genetics (formerly Invitae), Labcorp
Classification: Uncertain significance. Last evaluated: 2022-08-12. Review status: criteria provided, single submitter. Criteria: Invitae Variant Classification Sherloc (09022015). Collection method: clinical testing. Allele origin: germline.
Comment: A copy number gain of the genomic region encompassing the full coding sequence of the RNF168 gene has been identified. The boundaries of this event are unknown as they extend beyond the assayed region for this gene and therefore may encompass additional genes. As the precise location of this event is unknown, it may be in tandem or it may be located elsewhere in the genome. This variant has not been reported in the literature in individuals affected with RNF168-related conditions. Experimental studies and prediction algorithms are not available or were not evaluated, and the functional significance of this variant is currently unknown. In summary, the available evidence is currently insufficient to determine the role of this variant in disease. Therefore, it has been classified as a Variant of Uncertain Significance.